The following is an entry in ClinVar:

ClinVar aggregate classification (germline): Likely benign. Review status: criteria provided, single submitter (1 of 4 stars). 2 submissions from 2 submitters: Likely benign (1). 1 of the submissions does not count toward it. Last evaluated 2024-11-03.

Conditions:
PLEC-related disorder. Also called: PLEC-related disorders; PLEC-related condition.
Epidermolysis bullosa simplex 5C, with pyloric atresia (EBS5C). Also called: PLEC-Related Epidermolysis Bullosa with Pyloric Atresia; Epidermolysis bullosa simplex with pyloric atresia; PLEC1-Related Epidermolysis Bullosa with Pyloric Atresia. Identifiers: Orphanet 158684, MedGen C2677349, MONDO:0012807, OMIM 612138.
Autosomal recessive limb-girdle muscular dystrophy type 2Q (LGMDR17). Also called: MUSCULAR DYSTROPHY, LIMB-GIRDLE, AUTOSOMAL RECESSIVE 17. Identifiers: Orphanet 254361, MedGen C3150989, MONDO:0013390, OMIM 613723.
Epidermolysis bullosa simplex 5B, with muscular dystrophy (EBS5B). Also called: EPIDERMOLYSIS BULLOSA SIMPLEX AND LIMB-GIRDLE MUSCULAR DYSTROPHY; Epidermolysis bullosa simplex with muscular dystrophy. Identifiers: Orphanet 257, MedGen C2931072, MONDO:0009181, OMIM 226670.
Epidermolysis bullosa simplex, Ogna type (EBS5A). Also called: Pidermolysis bullosa simplex 5A, Ogna type; EPIDERMOLYSIS BULLOSA SIMPLEX 5A, OGNA TYPE. Identifiers: Orphanet 79401, MedGen C0432317, MONDO:0007555, OMIM 131950.
Epidermolysis bullosa simplex with nail dystrophy (EBS5D). Identifiers: MedGen C4225309, MONDO:0014661, OMIM 616487.

Allele frequency attached by ClinVar (database versions not stated): gnomAD exomes 0.00004; gnomAD 0.00005; TOPMed 0.00005; ExAC 0.00006.
gnomAD v4.1: 65 of 1,544,892 alleles (0.0042%); highest among the groups gnomAD compares: Non-Finnish European, 0.005%; no homozygotes.

Submissions (2):

Labcorp Genetics (formerly Invitae), Labcorp
Classification: Likely benign for Autosomal recessive limb-girdle muscular dystrophy type 2Q; Epidermolysis bullosa simplex, Ogna type; Epidermolysis bullosa simplex with nail dystrophy; Epidermolysis bullosa simplex 5C, with pyloric atresia; Epidermolysis bullosa simplex 5B, with muscular dystrophy. Last evaluated: 2024-11-03. Review status: criteria provided, single submitter. Criteria: Invitae Variant Classification Sherloc (09022015). Collection method: clinical testing. Allele origin: germline.

PreventionGenetics, part of Exact Sciences
Classification: Likely benign for PLEC-related condition. Last evaluated: 2023-09-14. Review status: no assertion criteria provided. Collection method: clinical testing. Allele origin: germline. Not counted in ClinVar's aggregate classification.
Comment: This variant is classified as likely benign based on ACMG/AMP sequence variant interpretation guidelines (Richards et al. 2015 PMID: 25741868, with internal and published modifications).

NM_201384.3(PLEC):c.4056G>A (p.Glu1352=)

Gene: PLEC (plectin; minus strand). Cytogenetic location: 8q24.3.
Variant type: single nucleotide variant.
Coding change: c.4056G>A on transcript NM_201384.3 (MANE Select); coding-DNA position 4056, G replaced by A.
Protein change: p.Glu1352=; no amino-acid change (glutamic acid 1352 retained).
Molecular consequence: synonymous variant. On other transcripts: intron variant (1).
Genome position (GRCh38, 1-based): chr8:143,925,873, C>T on the plus strand (G>A on the coding strand, the complement: PLEC is on the minus strand). VCF-style: chr8-143925873-C-T. GRCh37 (hg19) VCF-style: chr8-145000041-C-T.
Other names: c.4137G>A, p.Glu1379= (NM_000445.5); c.4014G>A, p.Glu1338= (NM_201378.4); c.3990G>A, p.Glu1330= (NM_201379.3); c.4467G>A, p.Glu1489= (NM_201380.4); c.3960G>A, p.Glu1320= (NM_201381.3); c.4056G>A, p.Glu1352= (NM_201382.4); c.4068G>A, p.Glu1356= (NM_201383.3); c.4125+911G>A (NM_001410941.1).
Identifiers: ClinVar variation 3054344 (VCV003054344.4), dbSNP rs781942137, ClinGen allele CA4926780.